The following is an entry in ClinVar:

ClinVar aggregate classification (germline): Pathogenic/Likely pathogenic. Review status: criteria provided, multiple submitters, no conflicts (2 of 4 stars). 2 submissions from 2 submitters: Pathogenic (1); Likely pathogenic (1). Last evaluated 2024-02-06.

Conditions:
Bardet-Biedl syndrome 20. Identifiers: MedGen C4310707, MONDO:0023670, OMIM 619471, MONDO:0014926.
Retinitis pigmentosa 71 (RP71). Identifiers: Orphanet 791, MedGen C4225342, MONDO:0014618, OMIM 616394.
Short-rib thoracic dysplasia 10 with or without polydactyly (SRTD10). Identifiers: Orphanet 474, MedGen C3810175, MONDO:0014284, OMIM 615630.

Submissions (2):

Labcorp Genetics (formerly Invitae), Labcorp
Classification: Pathogenic for Retinitis pigmentosa 71; Short-rib thoracic dysplasia 10 with or without polydactyly. Last evaluated: 2024-02-06. Review status: criteria provided, single submitter. Criteria: Invitae Variant Classification Sherloc (09022015). Collection method: clinical testing. Allele origin: germline.
Comment: This sequence change creates a premature translational stop signal (p.Val360*) in the IFT172 gene. It is expected to result in an absent or disrupted protein product. Loss-of-function variants in IFT172 are known to be pathogenic (PMID: 24140113). This variant is present in population databases (no rsID available, gnomAD 0.009%). This variant has not been reported in the literature in individuals affected with IFT172-related conditions. ClinVar contains an entry for this variant (Variation ID: 1355657). For these reasons, this variant has been classified as Pathogenic.

Fulgent Genetics
Classification: Likely pathogenic for Short-rib thoracic dysplasia 10 with or without polydactyly; Retinitis pigmentosa 71; Bardet-Biedl syndrome 20. Last evaluated: 2024-02-02. Review status: criteria provided, single submitter. Criteria: ACMG Guidelines, 2015. Collection method: clinical testing. Allele origin: germline.

Literature cited by the submitters: PubMed 24140113 (cited by Labcorp Genetics (formerly Invitae), Labcorp).

NM_015662.3(IFT172):c.1078del (p.Glu359_Val360insTer)

Gene: IFT172 (intraflagellar transport 172; minus strand). Cytogenetic location: 2p23.3.
Variant type: Deletion.
Coding change: c.1078del on transcript NM_015662.3 (MANE Select); coding-DNA position 1078, one base deleted (G; older notation c.1078delG).
Protein change: p.Glu359_Val360insTer.
Molecular consequence: nonsense.
Genome position (GRCh38, 1-based): chr2:27,478,084, C deleted on the plus strand (G on the coding strand, the reverse complement: IFT172 is on the minus strand); the first of 2 consecutive C bases (chr2:27,478,084-27,478,085); deleting either gives the same sequence. VCF-style (leftmost placement, unchanged base first): chr2-27478083-AC-A. GRCh37 (hg19) VCF-style: chr2-27700950-AC-A.
Identifiers: ClinVar variation 1355657 (VCV001355657.7), dbSNP rs1453282096, ClinGen allele CA531439726.
Genomic context (GRCh38, chr2:27,478,083, plus strand): 5'-CCCAGCAGCAGTGTTTCTGATGTGTGAGCCACCAAGTAACGTTCCTTTCCTAGGATTTTC[AC>A]CTCTTCCACCTCATAGCCATAGTGTGACTTGAGCACCACTCGGGTTCCTGATGACAGGTT-3'